The following is an entry in ClinVar:

ClinVar aggregate classification (germline): Uncertain significance (1 of 4 stars; one submission).

Allele frequency attached by ClinVar (database versions not stated): gnomAD exomes below 0.00001.
gnomAD v4.1: 5 of 1,614,190 alleles (0.00031%); highest among the groups gnomAD compares: Non-Finnish European, 0.00034%; no homozygotes.

Submission:

Labcorp Genetics (formerly Invitae), Labcorp
Classification: Uncertain significance. Last evaluated: 2022-10-31. Review status: criteria provided, single submitter. Criteria: Invitae Variant Classification Sherloc (09022015). Collection method: clinical testing. Allele origin: germline.
Comment: This sequence change replaces aspartic acid, which is acidic and polar, with tyrosine, which is neutral and polar, at codon 686 of the FLNB protein (p.Asp686Tyr). This variant is not present in population databases (gnomAD no frequency). This variant has not been reported in the literature in individuals affected with FLNB-related conditions. Algorithms developed to predict the effect of missense changes on protein structure and function (SIFT, PolyPhen-2, Align-GVGD) all suggest that this variant is likely to be disruptive. In summary, the available evidence is currently insufficient to determine the role of this variant in disease. Therefore, it has been classified as a Variant of Uncertain Significance.

NM_001457.4(FLNB):c.2056G>T (p.Asp686Tyr)

Gene: FLNB (filamin B; plus strand). Cytogenetic location: 3p14.3.
Variant type: single nucleotide variant.
Coding change: c.2056G>T on transcript NM_001457.4 (MANE Select); coding-DNA position 2056, G replaced by T.
Protein change: p.Asp686Tyr; replaces aspartic acid 686 with tyrosine.
Molecular consequence: missense variant.
Genome position (GRCh38, 1-based): chr3:58,109,179, G>T. VCF-style: chr3-58109179-G-T. GRCh37 (hg19) VCF-style: chr3-58094906-G-T.
Other names: c.2056G>T, p.Asp686Tyr (NM_001164317.2, NM_001164318.2, NM_001164319.2); short protein forms D686Y.
Identifiers: ClinVar variation 2804183 (VCV002804183.3), dbSNP rs2097264455, ClinGen allele CA353342573.